The following is an entry in ClinVar:

ClinVar aggregate classification (germline): Uncertain significance (1 of 4 stars; one submission).

Conditions:
PLXNA2-related disorder. Also called: PLXNA2-related condition.

gnomAD v4.1: 7 of 1,613,980 alleles (0.00043%); highest among the groups gnomAD compares: Admixed American, 0.0017%; no homozygotes.

Submission:

PreventionGenetics, part of Exact Sciences
Classification: Uncertain significance for PLXNA2-related condition. Last evaluated: 2025-08-07. Review status: criteria provided, single submitter. Criteria: ACMG Guidelines, 2015. Collection method: clinical testing. Allele origin: germline.
Comment: The PLXNA2 c.4721T>C variant is predicted to result in the amino acid substitution p.Ile1574Thr. To our knowledge, this variant has not been reported in the literature. This variant is reported in 0.0046% of alleles in individuals of European (Finnish) descent in gnomAD. At this time, the clinical significance of this variant is uncertain due to the absence of conclusive functional and genetic evidence.

NM_025179.4(PLXNA2):c.4721T>C (p.Ile1574Thr)

Gene: PLXNA2 (plexin A2; minus strand). Cytogenetic location: 1q32.2.
Variant type: single nucleotide variant.
Coding change: c.4721T>C on transcript NM_025179.4 (MANE Select); coding-DNA position 4721, T replaced by C.
Protein change: p.Ile1574Thr; replaces isoleucine 1574 with threonine.
Molecular consequence: missense variant.
Genome position (GRCh38, 1-based): chr1:208,038,414, A>G on the plus strand (T>C on the coding strand, the complement: PLXNA2 is on the minus strand). VCF-style: chr1-208038414-A-G. GRCh37 (hg19) VCF-style: chr1-208211759-A-G.
Other names: short protein forms I1574T.
Identifiers: ClinVar variation 5001332 (VCV005001332.1).